The following is an entry in ClinVar:

ClinVar aggregate classification (germline): Likely benign. Review status: criteria provided, multiple submitters, no conflicts (2 of 4 stars). 4 submissions from 4 submitters: Likely benign (3). 1 of the submissions does not count toward it. Last evaluated 2025-09-27.

Conditions:
Inborn genetic diseases. Identifiers: MedGen C0950123, MeSH D030342.
Multiple congenital anomalies-hypotonia-seizures syndrome 1 (MCAHS1). Also called: GLYCOSYLPHOSPHATIDYLINOSITOL BIOSYNTHESIS DEFECT 3; PIGN-CDG; Congenital disorder of glycosylation due to PIGN deficiency. Identifiers: Orphanet 280633, MedGen C3279775, MONDO:0013563, OMIM 614080.
PIGN-related disorder. Also called: PIGN-related condition.

Allele frequency attached by ClinVar (database versions not stated): gnomAD exomes 0.00004 and 0.00006; ExAC 0.00012; gnomAD 0.00027 and 0.00029; TOPMed 0.00030; ESP Exome Variant Server 0.00051; 1000 Genomes Project 0.00060; 1000 Genomes Project 30x 0.00062.
gnomAD v4.1: 98 of 1,570,012 alleles (0.0062%); highest among the groups gnomAD compares: African/African-American, 0.093%; 1 homozygote.

Submissions (4):

Labcorp Genetics (formerly Invitae), Labcorp
Classification: Likely benign for Multiple congenital anomalies-hypotonia-seizures syndrome 1. Last evaluated: 2025-09-27. Review status: criteria provided, single submitter. Criteria: Invitae Variant Classification Sherloc (09022015). Collection method: clinical testing. Allele origin: germline.

GeneDx
Classification: Likely benign. Last evaluated: 2020-06-30. Review status: criteria provided, single submitter. Criteria: GeneDx Variant Classification Process June 2021. Collection method: clinical testing. Allele origin: germline. Affected: yes.

Ambry Genetics
Classification: Likely benign for Inborn genetic diseases. Last evaluated: 2016-08-29. Review status: criteria provided, single submitter. Criteria: Ambry Variant Classification Scheme 2023. Collection method: clinical testing. Allele origin: germline.

PreventionGenetics, part of Exact Sciences
Classification: Likely benign for PIGN-related condition. Last evaluated: 2019-05-29. Review status: no assertion criteria provided. Collection method: clinical testing. Allele origin: germline. Not counted in ClinVar's aggregate classification.
Comment: This variant is classified as likely benign based on ACMG/AMP sequence variant interpretation guidelines (Richards et al. 2015 PMID: 25741868, with internal and published modifications).

NM_176787.5(PIGN):c.471T>C (p.Tyr157=)

Gene: PIGN (phosphatidylinositol glycan anchor biosynthesis class N; minus strand). Cytogenetic location: 18q21.33.
Variant type: single nucleotide variant.
Coding change: c.471T>C on transcript NM_176787.5 (MANE Select); coding-DNA position 471, T replaced by C.
Protein change: p.Tyr157=; no amino-acid change (tyrosine 157 retained).
Molecular consequence: synonymous variant.
Genome position (GRCh38, 1-based): chr18:62,154,623, A>G on the plus strand (T>C on the coding strand, the complement: PIGN is on the minus strand). VCF-style: chr18-62154623-A-G. GRCh37 (hg19) VCF-style: chr18-59821856-A-G.
Other names: c.471T>C, p.Tyr157= (NM_012327.6).
Identifiers: ClinVar variation 589291 (VCV000589291.20), dbSNP rs188661327, ClinGen allele CA8982577.